The following is an entry in ClinVar:

NM_001142966.3(GREB1L):c.5073T>A (p.His1691Gln)

Gene: GREB1L (GREB1 like retinoic acid receptor coactivator; plus strand). Cytogenetic location: 18q11.2.
Variant type: single nucleotide variant.
Coding change: c.5073T>A on transcript NM_001142966.3 (MANE Select); coding-DNA position 5073, T replaced by A.
Protein change: p.His1691Gln; replaces histidine 1691 with glutamine.
Molecular consequence: missense variant.
Genome position (GRCh38, 1-based): chr18:21,515,588, T>A. VCF-style: chr18-21515588-T-A. GRCh37 (hg19) VCF-style: chr18-19095549-T-A.
Other names: c.5202T>A, p.His1734Gln (NM_001410867.1); c.4746T>A, p.His1582Gln (NM_001410868.1); short protein forms H1582Q, H1691Q, H1734Q.
Identifiers: ClinVar variation 3346350 (VCV003346350.1).
Genomic context (GRCh38, chr18:21,515,588, plus strand): 5'-ATGGAGCAGCAAGCTGACTTCTCAGAGCCTAAAGGCCCCATTCTCTAGGTGTCACGTGCA[T>A]GATTTCATTCTCCTCAACACAGACTTGACTCAGAATGTGCAGTATGACTTCAACAGGTAA-3'
Protein context (NP_001136438.1, residues 1681-1701): LKAPFSRCHV[His1691Gln]DFILLNTDLT

ClinVar aggregate classification (germline): Uncertain significance (0 of 4 stars; one submission).

Conditions:
GREB1L-related disorder. Also called: GREB1L-related condition.

Submission:

PreventionGenetics, part of Exact Sciences
Classification: Uncertain significance for GREB1L-related condition. Last evaluated: 2024-07-09. Review status: no assertion criteria provided. Collection method: clinical testing. Allele origin: germline.
Comment: The GREB1L c.5073T>A variant is predicted to result in the amino acid substitution p.His1691Gln. To our knowledge, this variant has not been reported in the literature or in a large population database, indicating this variant is rare. Adjacent missense variants (p.Val1690Met, p.Asp1692Tyr) have been reported in patients with renal agenesis or hypodysplasia (Sanna-Cherchi. 2017. PubMed ID: 29100090; Marangoni. 2022. PubMed ID: 34906519). At this time, the clinical significance of this variant is uncertain due to the absence of conclusive functional and genetic evidence.